The following is an entry in ClinVar:

NM_004006.3(DMD):c.8507G>A (p.Gly2836Asp)

Gene: DMD (dystrophin; minus strand). Cytogenetic location: Xp21.2.
Variant type: single nucleotide variant.
Coding change: c.8507G>A on transcript NM_004006.3 (MANE Select); coding-DNA position 8507, G replaced by A.
Protein change: p.Gly2836Asp; replaces glycine 2836 with aspartic acid.
Molecular consequence: missense variant.
Genome position (GRCh38, 1-based): chrX:31,496,828, C>T on the plus strand (G>A on the coding strand, the complement: DMD is on the minus strand). VCF-style: chrX-31496828-C-T. GRCh37 (hg19) VCF-style: chrX-31514945-C-T.
Other names: c.8483G>A, p.Gly2828Asp (NM_000109.4); c.8495G>A, p.Gly2832Asp (NM_004009.3); c.8138G>A, p.Gly2713Asp (NM_004010.3); c.4484G>A, p.Gly1495Asp (NM_004011.4); c.4475G>A, p.Gly1492Asp (NM_004012.4); c.1127G>A, p.Gly376Asp (NM_004013.3, NM_004020.4, NM_004021.3 and 2 more transcripts); c.320G>A, p.Gly107Asp (NM_004014.3); short protein forms G107D, G1492D, G1495D, G2713D, G2828D, G2832D, G2836D, G376D.
Identifiers: ClinVar variation 3366137 (VCV003366137.1).
Genomic context (GRCh38, chrX:31,496,828, plus strand): 5'-GAGGCTTAAAAATGTCCTACCCTATGTACATCGTTCTGCTTCTGAACTGCTGGAAAGTCG[C>T]CTCCAATAGGTGCCTGCCGGCTTAATTCATCATCTTTCAGCTGTAGCCACACCAGAAGTT-3'
Protein context (NP_003997.2, residues 2826-2846): DELSRQAPIG[Gly2836Asp]DFPAVQKQND

ClinVar aggregate classification (germline): Uncertain significance (1 of 4 stars; one submission).

Submission:

GeneDx
Classification: Uncertain significance. Last evaluated: 2023-10-19. Review status: criteria provided, single submitter. Criteria: GeneDx Variant Classification Process June 2021. Collection method: clinical testing. Allele origin: germline. Affected: yes.
Comment: Not observed at significant frequency in large population cohorts (gnomAD); In silico analysis supports that this missense variant has a deleterious effect on protein structure/function; Has not been previously published as pathogenic or benign to our knowledge